The following is an entry in ClinVar:

ClinVar aggregate classification (germline): Uncertain significance (1 of 4 stars; one submission).

Conditions:
Cardiovascular phenotype. Identifiers: MedGen CN230736.
Hereditary cancer-predisposing syndrome. Also called: Neoplastic Syndromes, Hereditary; Tumor predisposition; Hereditary Cancer Syndrome; Hereditary neoplastic syndrome. Identifiers: Orphanet 140162, MedGen C0027672, MeSH D009386, MONDO:0015356.

gnomAD v4.1: 2 of 1,613,440 alleles (0.00012%); highest among the groups gnomAD compares: Non-Finnish European, 0.00017%; no homozygotes.

Submission:

Ambry Genetics
Classification: Uncertain significance for Cardiovascular phenotype; Hereditary cancer-predisposing syndrome. Last evaluated: 2026-03-28. Review status: criteria provided, single submitter. Criteria: Ambry Variant Classification Scheme 2023. Collection method: clinical testing. Allele origin: germline.
Comment: The p.M613I variant (also known as c.1839G>T), located in coding exon 16 of the LZTR1 gene, results from a G to T substitution at nucleotide position 1839. The methionine at codon 613 is replaced by isoleucine, an amino acid with highly similar properties. This amino acid position is conserved. In addition, the in silico prediction for this alteration is inconclusive. Based on the available evidence, the clinical significance of this variant remains unclear.

NM_006767.4(LZTR1):c.1839G>T (p.Met613Ile)

Gene: LZTR1 (leucine zipper like post translational regulator 1; plus strand). Cytogenetic location: 22q11.21.
Variant type: single nucleotide variant.
Coding change: c.1839G>T on transcript NM_006767.4 (MANE Select); coding-DNA position 1839, G replaced by T.
Protein change: p.Met613Ile; replaces methionine 613 with isoleucine.
Molecular consequence: missense variant.
Genome position (GRCh38, 1-based): chr22:20,994,923, G>T. VCF-style: chr22-20994923-G-T. GRCh37 (hg19) VCF-style: chr22-21349212-G-T.
Other names: short protein forms M613I.
Identifiers: ClinVar variation 4859366 (VCV004859366.1).